The following is an entry in ClinVar:

ClinVar aggregate classification (germline): Likely pathogenic (1 of 4 stars; one submission).

Conditions:
Postaxial polydactyly-anterior pituitary anomalies-facial dysmorphism syndrome. Also called: Culler-Jones syndrome. Identifiers: Orphanet 420584, MedGen C4014479, MONDO:0014369, OMIM 615849.

Submission:

Clinical Genetics Laboratory, University Hospital Schleswig-Holstein
Classification: Likely pathogenic for Postaxial polydactyly-anterior pituitary anomalies-facial dysmorphism syndrome. Last evaluated: 2025-10-16. Review status: criteria provided, single submitter. Criteria: ACMG Guidelines, 2015. Collection method: clinical testing. Allele origin: paternal. Affected: yes. Observed: 1 heterozygote.
Comment: ACMG criteria applied: PM2, PVS1_Strong

NM_001374353.1(GLI2):c.2539_2561del (p.Arg847fs)

Gene: GLI2 (GLI family zinc finger 2; plus strand). Cytogenetic location: 2q14.2.
Variant type: Deletion.
Coding change: c.2539_2561del on transcript NM_001374353.1 (MANE Select); coding-DNA positions 2539 to 2561, 23 bases deleted (CGGCGCTCGAGCGAGGCCAGCCA).
Protein change: p.Arg847fs; shifts the reading frame from arginine 847.
Molecular consequence: frameshift variant.
Genome position (GRCh38, 1-based): chr2:120,988,504-120,988,526, CGGCGCTCGAGCGAGGCCAGCCA deleted. VCF-style (leftmost placement, unchanged base first): chr2-120988503-GCGGCGCTCGAGCGAGGCCAGCCA-G. GRCh37 (hg19) VCF-style: chr2-121746079-GCGGCGCTCGAGCGAGGCCAGCCA-G.
Other names: c.2590_2612del, p.Arg864fs (NM_001371271.1, NM_005270.5); c.2164_2186del, p.Arg722fs (NM_001374354.1); short protein forms R722fs, R847fs, R864fs.
Identifiers: ClinVar variation 4891253 (VCV004891253.1).